The following is an entry in ClinVar:

NM_000179.3(MSH6):c.3439-20_3439-16dup

Gene: MSH6 (mutS homolog 6; plus strand). Cytogenetic location: 2p16.3.
Variant type: Duplication.
Coding change: c.3439-20_3439-16dup on transcript NM_000179.3 (MANE Select); 20 bases into the intron before coding-DNA position 3439 through 16 bases into the intron before coding-DNA position 3439, 5 bases duplicated (TTTTC; older notation c.3439-20_3439-16dupTTTTC).
Molecular consequence: intron variant.
Genome position (GRCh38, 1-based): chr2:47,804,890-47,804,894, TTTTC duplicated; duplicating any 5 consecutive bases within chr2:47,804,889-47,804,894 gives the same sequence; the c. name uses the placement nearest the transcript's 3' end. VCF-style (leftmost placement, unchanged base first): chr2-47804888-C-CCTTTT. GRCh37 (hg19) VCF-style: chr2-48032027-C-CCTTTT.
Other names: c.3439-20_3439-16dup (NM_001406809.1, NM_001406796.1, NM_001406808.1 and 1 more transcripts); c.2533-20_2533-16dup (NM_001406811.1, NM_001406814.1, NM_001281493.2 and 6 more transcripts); c.3142-20_3142-16dup (NM_001406805.1, NM_001406797.1, NM_001406801.1 and 10 more transcripts); c.3535-20_3535-16dup (NM_001406795.1, NM_001406802.1); c.3445-20_3445-16dup (NM_001406813.1); c.2914-20_2914-16dup (NM_001406807.1, NM_001406799.1, NM_001406806.1); c.3265-20_3265-16dup (NM_001406798.1); c.2575-20_2575-16dup (NM_001406803.1); and 7 more.
Identifiers: ClinVar variation 3904146 (VCV003904146.1).

ClinVar aggregate classification (germline): Benign (1 of 4 stars; one submission).

Conditions:
Lynch syndrome 5 (LYNCH5). Also called: Colorectal cancer, hereditary nonpolyposis, type 5; Hereditary non-polyposis colorectal cancer, type 5. Identifiers: Orphanet 144, MedGen C1833477, MONDO:0013710, OMIM 614350. Disease mechanism: loss of function.

Submission:

Myriad Genetics, Inc.
Classification: Benign for Lynch syndrome 5. Last evaluated: 2025-01-07. Review status: criteria provided, single submitter. Criteria: Myriad Autosomal Dominant, Autosomal Recessive and X-Linked Classification Criteria (2023). Collection method: clinical testing. Allele origin: unknown.
Comment: This variant is considered benign. This variant is intronic and is not expected to impact mRNA splicing.